The following is an entry in ClinVar:

NM_015559.3(SETBP1):c.2832C>A (p.Ser944Arg)

Gene: SETBP1 (SET binding protein 1; plus strand). Cytogenetic location: 18q12.3.
Variant type: single nucleotide variant.
Coding change: c.2832C>A on transcript NM_015559.3 (MANE Select); coding-DNA position 2832, C replaced by A.
Protein change: p.Ser944Arg; replaces serine 944 with arginine.
Molecular consequence: missense variant.
Genome position (GRCh38, 1-based): chr18:44,952,172, C>A. VCF-style: chr18-44952172-C-A. GRCh37 (hg19) VCF-style: chr18-42532137-C-A.
Other names: c.2832C>A, p.Ser944Arg (NM_001379141.1, NM_001379142.1, NM_001410862.1); short protein forms S944R.
Identifiers: ClinVar variation 2785295 (VCV002785295.3), dbSNP rs1384153236, ClinGen allele CA402322312.
Genomic context (GRCh38, chr18:44,952,172, plus strand): 5'-GGACAACTTTCTGGCCCACGAAAGCCTCAAGAAGCCAAAGCACAAGAGGAAACGGAAAAG[C>A]CTGCAAAACCGCGATGACCTCCAGTTTCTGGCAGACCTGGAGGAGCTAATCACCAAGTTC-3'
Protein context (NP_056374.2, residues 934-954): KKPKHKRKRK[Ser944Arg]LQNRDDLQFL

ClinVar aggregate classification (germline): Uncertain significance (1 of 4 stars; one submission).

gnomAD v4.1: 1 of 1,614,154 alleles (0.000062%); highest among the groups gnomAD compares: African/African-American, 0.0013%; no homozygotes.

Submission:

Labcorp Genetics (formerly Invitae), Labcorp
Classification: Uncertain significance. Last evaluated: 2023-09-01. Review status: criteria provided, single submitter. Criteria: Invitae Variant Classification Sherloc (09022015). Collection method: clinical testing. Allele origin: germline.
Comment: In summary, the available evidence is currently insufficient to determine the role of this variant in disease. Therefore, it has been classified as a Variant of Uncertain Significance. Advanced modeling of protein sequence and biophysical properties (such as structural, functional, and spatial information, amino acid conservation, physicochemical variation, residue mobility, and thermodynamic stability) performed at Invitae indicates that this missense variant is not expected to disrupt SETBP1 protein function. This variant has not been reported in the literature in individuals affected with SETBP1-related conditions. This variant is not present in population databases (gnomAD no frequency). This sequence change replaces serine, which is neutral and polar, with arginine, which is basic and polar, at codon 944 of the SETBP1 protein (p.Ser944Arg).